The following is an entry in ClinVar:

ClinVar aggregate classification (germline): Uncertain significance (1 of 4 stars; one submission).

Submission:

GeneDx
Classification: Uncertain significance. Last evaluated: 2026-05-18. Review status: criteria provided, single submitter. Criteria: GeneDx Variant Classification Process June 2021. Collection method: clinical testing. Allele origin: germline.
Comment: Not observed at significant frequency in large population cohorts (gnomAD); In silico analysis supports that this missense variant has a deleterious effect on protein structure/function; Has not been previously published as pathogenic or benign to our knowledge

NM_005898.5(CAPRIN1):c.1834C>G (p.Arg612Gly)

Gene: CAPRIN1 (cell cycle associated protein 1; plus strand). Cytogenetic location: 11p13.
Variant type: single nucleotide variant.
Coding change: c.1834C>G on transcript NM_005898.5 (MANE Select); coding-DNA position 1834, C replaced by G.
Protein change: p.Arg612Gly; replaces arginine 612 with glycine.
Molecular consequence: missense variant.
Genome position (GRCh38, 1-based): chr11:34,096,607, C>G. VCF-style: chr11-34096607-C-G. GRCh37 (hg19) VCF-style: chr11-34118154-C-G.
Other names: c.1834C>G, p.Arg612Gly (NM_203364.3); short protein forms R612G.
Identifiers: ClinVar variation 3363469 (VCV003363469.2).